The following is an entry in ClinVar:

NC_000005.9:g.(?_131893017)_(131976507_?)del

Gene: RAD50 (RAD50 double strand break repair protein; plus strand). Cytogenetic location: 5q31.1.
Variant type: Deletion.
Identifiers: ClinVar variation 3246281 (VCV003246281.1).

ClinVar aggregate classification (germline): Pathogenic (1 of 4 stars; one submission).

Conditions:
Hereditary cancer-predisposing syndrome. Also called: Hereditary neoplastic syndrome; Neoplastic Syndromes, Hereditary; Tumor predisposition; Hereditary Cancer Syndrome. Identifiers: Orphanet 140162, MedGen C0027672, MeSH D009386, MONDO:0015356.

Submission:

Labcorp Genetics (formerly Invitae), Labcorp
Classification: Pathogenic for Hereditary cancer-predisposing syndrome. Last evaluated: 2022-11-10. Review status: criteria provided, single submitter. Criteria: Invitae Variant Classification Sherloc (09022015). Collection method: clinical testing. Allele origin: unknown.
Comment: For these reasons, this variant has been classified as Pathogenic. This variant has not been reported in the literature in individuals affected with RAD50-related conditions. This variant is a gross deletion of the genomic region encompassing exon(s) 1 through 24 of the RAD50 gene, which includes the initiator codon. This deletion extends beyond the assayed region for this gene and therefore may encompass additional genes. It is expected to result in an absent or disrupted protein product. Loss-of-function variants in RAD50 are known to be pathogenic (PMID: 19409520).

Literature cited by the submitters: PubMed 19409520.